The following is an entry in ClinVar:

NM_174936.4(PCSK9):c.1976G>T (p.Arg659Leu)

Gene: PCSK9 (proprotein convertase subtilisin/kexin type 9; plus strand). Cytogenetic location: 1p32.3.
Variant type: single nucleotide variant.
Coding change: c.1976G>T on transcript NM_174936.4 (MANE Select); coding-DNA position 1976, G replaced by T.
Protein change: p.Arg659Leu; replaces arginine 659 with leucine.
Molecular consequence: missense variant.
Genome position (GRCh38, 1-based): chr1:55,063,481, G>T. VCF-style: chr1-55063481-G-T. GRCh37 (hg19) VCF-style: chr1-55529154-G-T.
Other names: c.2099G>T, p.Arg700Leu (NM_001407240.1); c.2018G>T, p.Arg673Leu (NM_001407241.1); c.1979G>T, p.Arg660Leu (NM_001407242.1); c.1919G>T, p.Arg640Leu (NM_001407243.1); c.1802G>T, p.Arg601Leu (NM_001407244.1); c.1784G>T, p.Arg595Leu (NM_001407245.1); c.1601G>T, p.Arg534Leu (NM_001407246.1); c.1475G>T, p.Arg492Leu (NM_001407247.1); short protein forms R659L, R534L, R595L, R640L, R660L, R673L, R700L, R492L.
Identifiers: ClinVar variation 297705 (VCV000297705.15), dbSNP rs780214893, ClinGen allele CA040050.
Genomic context (GRCh38, chr1:55,063,481, plus strand): 5'-CTGGGACCTCCCACGTCCTGGGGGCCTACGCCGTAGACAACACGTGTGTAGTCAGGAGCC[G>T]GGACGTCAGCACTACAGGCAGCACCAGCGAAGGGGCCGTGACAGCCGTTGCCATCTGCTG-3'
Protein context (NP_777596.2, residues 649-669): AVDNTCVVRS[Arg659Leu]DVSTTGSTSE

ClinVar aggregate classification (germline): Uncertain significance. Review status: criteria provided, multiple submitters, no conflicts (2 of 4 stars). 6 submissions from 6 submitters: Uncertain significance (6). Last evaluated 2025-01-08.

Conditions:
Cardiovascular phenotype. Identifiers: MedGen CN230736.
Familial hypercholesterolemia. Also called: Familial hypercholesterolemias; Familial hypercholesterolaemia. Identifiers: MedGen C0020445, MONDO:0005439.
Hypercholesterolemia, autosomal dominant, 3 (FHCL3). Also called: PCSK9-Related Familial Hypercholesterolemia, Autosomal Dominant; Familial hypercholesterolemia 3; Familial Hypercholesterolemia, Autosomal Dominant, 3. Identifiers: MedGen C1863551, MONDO:0011369, OMIM 603776.

Allele frequency attached by ClinVar (database versions not stated): ExAC 0.00001; TOPMed 0.00002; gnomAD 0.00006.
gnomAD v4.1: 13 of 1,613,826 alleles (0.00081%); highest among the groups gnomAD compares: African/African-American, 0.015%; no homozygotes.

Submissions (6):

GeneDx
Classification: Uncertain significance. Last evaluated: 2025-01-08. Review status: criteria provided, single submitter. Criteria: GeneDx Variant Classification Process June 2021. Collection method: clinical testing. Allele origin: germline. Affected: yes.
Comment: Not observed at significant frequency in large population cohorts (gnomAD); In silico analysis indicates that this missense variant does not alter protein structure/function; Has not been previously published as pathogenic or benign to our knowledge

All of Us Research Program, National Institutes of Health
Classification: Uncertain significance for Hypercholesterolemia, autosomal dominant, 3. Last evaluated: 2024-09-23. Review status: criteria provided, single submitter. Criteria: ACMG Guidelines, 2015. Collection method: clinical testing. Allele origin: germline. Inheritance: Autosomal dominant inheritance. Observed: 13 variant alleles, 13 heterozygotes.
Comment: This missense variant replaces arginine with leucine at codon 659 of the PCSK9 protein. Computational prediction suggests that this variant may not impact protein structure and function (internally defined REVEL score threshold <= 0.5, PMID: 27666373). To our knowledge, functional studies have not been reported for this variant. This variant has not been reported in individuals affected with familial hypercholesterolemia in the literature. This variant has been identified in 4/282332 chromosomes in the general population by the Genome Aggregation Database (gnomAD). The available evidence is insufficient to determine the role of this variant in disease conclusively. Therefore, this variant is classified as a Variant of Uncertain Significance.

This study involves interpretation of variants in research participants for the purpose of population health screening. Participant phenotype was not available at the time of variant classification. Additional details can be found in publication PMID: 35346344, PMCID: PMC8962531

Color Diagnostics, LLC DBA Color Health
Classification: Uncertain significance for Familial hypercholesterolemia. Last evaluated: 2024-03-06. Review status: criteria provided, single submitter. Criteria: ACMG Guidelines, 2015. Collection method: clinical testing. Allele origin: germline.
Comment: This missense variant replaces arginine with leucine at codon 659 of the PCSK9 protein. Computational prediction tools indicate that this variant has a neutral impact on protein structure and function. To our knowledge, functional studies have not been reported for this variant. This variant has not been reported in individuals affected with PCSK9-related disorders in the literature. This variant has been identified in 4/282332 chromosomes in the general population by the Genome Aggregation Database (gnomAD). The available evidence is insufficient to determine the role of this variant in disease conclusively. Therefore, this variant is classified as a Variant of Uncertain Significance.

Ambry Genetics
Classification: Uncertain significance for Cardiovascular phenotype. Last evaluated: 2023-11-21. Review status: criteria provided, single submitter. Criteria: Ambry Variant Classification Scheme 2023. Collection method: clinical testing. Allele origin: germline.
Comment: The p.R659L variant (also known as c.1976G>T), located in coding exon 12 of the PCSK9 gene, results from a G to T substitution at nucleotide position 1976. The arginine at codon 659 is replaced by leucine, an amino acid with dissimilar properties. This amino acid position is poorly conserved in available vertebrate species. In addition, this alteration is predicted to be tolerated by in silico analysis. Since supporting evidence is limited at this time, the clinical significance of this alteration remains unclear.

Quest Diagnostics Nichols Institute San Juan Capistrano
Classification: Uncertain significance. Last evaluated: 2020-11-02. Review status: criteria provided, single submitter. Criteria: Quest Diagnostics criteria. Collection method: clinical testing. Allele origin: unknown.

Women's Health and Genetics/Laboratory Corporation of America, LabCorp
Classification: Uncertain significance. Last evaluated: 2017-07-21. Review status: criteria provided, single submitter. Criteria: LabCorp Variant Classification Summary - May 2015. Collection method: clinical testing. Allele origin: germline.
Comment: Variant summary: The PCSK9 c.1976G>T (p.Arg659Leu) variant involves the alteration of a non-conserved nucleotide and 2/3 in silico tools (SNPs&GO not captured due to low reliability index and Polyphen was not working at time of scoring)predict a benign outcome. However, these predictions have yet to be functionally assessed. This variant was found in 4/276806 control chromosomes in gnomAD dataset, predominantly observed in the African cohort at a frequency of 0.000125 (3/23986). This frequency is comparable to the estimated maximal expected allele frequency of a pathogenic PCSK9 variant (0.0000938). In addition, a clinical diagnostic laboratory classified this variant as uncertain significance. The variant of interest has not, to our knowledge, been reported in affected individuals via publications. Because of the absence of clinical information and the lack of functional studies, the variant is classified as a "Variant of Uncertain Significance (VUS)," until additional information becomes available.